The following is an entry in ClinVar:

ClinVar aggregate classification (germline): Uncertain significance (1 of 4 stars; one submission).

Submission:

GeneDx
Classification: Uncertain significance. Last evaluated: 2023-12-13. Review status: criteria provided, single submitter. Criteria: GeneDx Variant Classification Process June 2021. Collection method: clinical testing. Allele origin: germline. Affected: yes.
Comment: Not observed at significant frequency in large population cohorts (gnomAD); In silico analysis supports that this missense variant has a deleterious effect on protein structure/function; Has not been previously published as pathogenic or benign to our knowledge; This variant is associated with the following publications: (PMID: 25512093, 25609763, 26100331)

NM_001376.5(DYNC1H1):c.9275A>G (p.Asn3092Ser)

Genes: DYNC1H1 (dynein cytoplasmic 1 heavy chain 1; plus strand), LOC126862060 (BRD4-independent group 4 enhancer GRCh37_chr14:102493659-102494858; plus strand). Cytogenetic location: 14q32.31.
Variant type: single nucleotide variant.
Coding change: c.9275A>G on transcript NM_001376.5 (MANE Select); coding-DNA position 9275, A replaced by G.
Protein change: p.Asn3092Ser; replaces asparagine 3092 with serine.
Molecular consequence: missense variant.
Genome position (GRCh38, 1-based): chr14:102,027,948, A>G. VCF-style: chr14-102027948-A-G. GRCh37 (hg19) VCF-style: chr14-102494285-A-G.
Other names: short protein forms N3092S.
Identifiers: ClinVar variation 3253162 (VCV003253162.1), dbSNP rs2503805771.